The following is an entry in ClinVar:

NM_007294.4(BRCA1):c.4985T>G (p.Phe1662Cys)

Gene: BRCA1 (BRCA1 DNA repair associated; minus strand). Cytogenetic location: 17q21.31.
Variant type: single nucleotide variant.
Coding change: c.4985T>G on transcript NM_007294.4 (MANE Select); coding-DNA position 4985, T replaced by G.
Protein change: p.Phe1662Cys; replaces phenylalanine 1662 with cysteine.
Molecular consequence: missense variant. On other transcripts: non-coding transcript variant (1).
Genome position (GRCh38, 1-based): chr17:43,070,929, A>C on the plus strand (T>G on the coding strand, the complement: BRCA1 is on the minus strand). VCF-style: chr17-43070929-A-C. GRCh37 (hg19) VCF-style: chr17-41222946-A-C.
Other names: c.1673T>G, p.Phe558Cys (NM_007298.4, NM_007299.4, NM_007304.2 and 13 more transcripts); c.5048T>G, p.Phe1683Cys (NM_007300.4, NM_001407583.1, NM_001407585.1 and 1 more transcripts); c.4772T>G, p.Phe1591Cys (NM_001407571.1, NM_001407906.1, NM_001407907.1 and 12 more transcripts); c.5051T>G, p.Phe1684Cys (NM_001407581.1, NM_001407582.1); c.5045T>G, p.Phe1682Cys (NM_001407590.1, NM_001407591.1); c.4985T>G, p.Phe1662Cys (NM_001407593.1, NM_001407594.1, NM_001407596.1 and 8 more transcripts); c.4982T>G, p.Phe1661Cys (NM_001407613.1, NM_001407614.1, NM_001407615.1 and 17 more transcripts); c.4979T>G, p.Phe1660Cys (NM_001407632.1, NM_001407633.1, NM_001407634.1 and 14 more transcripts); and 70 more; short protein forms F1615C, F1683C, F1662C, F558C, F1551C, F1574C, F1614C, F1634C.
Identifiers: ClinVar variation 868081 (VCV000868081.10), dbSNP rs28897695, ClinGen allele CA10591553.

ClinVar aggregate classification (germline): Uncertain significance (1 of 4 stars; one submission).

Conditions:
Hereditary breast ovarian cancer syndrome. Also called: Hereditary breast and ovarian cancer; Hereditary breast and ovarian cancer syndrome (HBOC); Breast and ovarian cancer; Hereditary breast and/or ovarian cancer syndrome; BRCA1- and BRCA2-Associated Hereditary Breast and Ovarian Cancer; Hereditary breast and ovarian cancer syndrome. Identifiers: Orphanet 145, MedGen C0677776, MeSH D061325, MONDO:0003582. Disease mechanism: loss of function.

Allele frequency attached by ClinVar (database versions not stated): TOPMed 0.00001.
gnomAD v4.1: 4 of 1,614,140 alleles (0.00025%); highest among the groups gnomAD compares: Non-Finnish European, 0.00034%; no homozygotes.

Submissions (2):

Labcorp Genetics (formerly Invitae), Labcorp
Classification: Uncertain significance for Hereditary breast ovarian cancer syndrome. Last evaluated: 2021-08-20. Review status: criteria provided, single submitter. Criteria: Invitae Variant Classification Sherloc (09022015). Collection method: clinical testing. Allele origin: germline.
Comment: This sequence change replaces phenylalanine with cysteine at codon 1662 of the BRCA1 protein (p.Phe1662Cys). The phenylalanine residue is weakly conserved and there is a large physicochemical difference between phenylalanine and cysteine. This variant is not present in population databases (ExAC no frequency). This variant has not been reported in the literature in individuals affected with BRCA1-related conditions. Algorithms developed to predict the effect of missense changes on protein structure and function output the following: SIFT: "Tolerated"; PolyPhen-2: "Possibly Damaging"; Align-GVGD: "Class C15". The cysteine amino acid residue is found in multiple mammalian species, which suggests that this missense change does not adversely affect protein function. Experimental studies have shown that this missense change does not substantially affect BRCA1 function (PMID: 30209399). In summary, the available evidence is currently insufficient to determine the role of this variant in disease. Therefore, it has been classified as a Variant of Uncertain Significance.

Brotman Baty Institute, University of Washington
No classification provided (evidence only). Condition: Breast-ovarian cancer, familial 1. Review status: no classification provided. Collection method: in vitro. Allele origin: not applicable. Functional consequence: functionally_normal. Not counted in ClinVar's aggregate classification.
ClinVar note: "not provided" was previously submitted as the classification for the variant. However, the classification appeared to be based only on an observation of functional data so it was converted to no classification on 2025-07-30.

Literature cited by the submitters: PubMed 30209399 (cited by Labcorp Genetics (formerly Invitae), Labcorp).